The following is an entry in ClinVar:

ClinVar aggregate classification (germline): Uncertain significance (1 of 4 stars; one submission).

Submission:

Labcorp Genetics (formerly Invitae), Labcorp
Classification: Uncertain significance. Last evaluated: 2025-02-08. Review status: criteria provided, single submitter. Criteria: Invitae Variant Classification Sherloc (09022015). Collection method: clinical testing. Allele origin: germline.
Comment: This sequence change replaces proline, which is neutral and non-polar, with serine, which is neutral and polar, at codon 251 of the PIGB protein (p.Pro251Ser). This variant is not present in population databases (gnomAD no frequency). This variant has not been reported in the literature in individuals affected with PIGB-related conditions. Invitae Evidence Modeling of protein sequence and biophysical properties (such as structural, functional, and spatial information, amino acid conservation, physicochemical variation, residue mobility, and thermodynamic stability) indicates that this missense variant is not expected to disrupt PIGB protein function with a negative predictive value of 80%. In summary, the available evidence is currently insufficient to determine the role of this variant in disease. Therefore, it has been classified as a Variant of Uncertain Significance.

NM_004855.5(PIGB):c.751C>T (p.Pro251Ser)

Gene: PIGB (phosphatidylinositol glycan anchor biosynthesis class B; plus strand). Cytogenetic location: 15q21.3.
Variant type: single nucleotide variant.
Coding change: c.751C>T on transcript NM_004855.5 (MANE Select); coding-DNA position 751, C replaced by T.
Protein change: p.Pro251Ser; replaces proline 251 with serine.
Molecular consequence: missense variant.
Genome position (GRCh38, 1-based): chr15:55,333,964, C>T. VCF-style: chr15-55333964-C-T. GRCh37 (hg19) VCF-style: chr15-55626162-C-T.
Other names: short protein forms P251S.
Identifiers: ClinVar variation 4808045 (VCV004808045.1).